The following is an entry in ClinVar:

ClinVar aggregate classification (germline): Uncertain significance (1 of 4 stars; one submission).

Allele frequency attached by ClinVar (database versions not stated): TOPMed below 0.00001; ExAC 0.00001.
gnomAD v4.1: 6 of 1,614,100 alleles (0.00037%); highest among the groups gnomAD compares: East Asian, 0.0089%; no homozygotes.

Submission:

GeneDx
Classification: Uncertain significance. Last evaluated: 2023-05-02. Review status: criteria provided, single submitter. Criteria: GeneDx Variant Classification Process June 2021. Collection method: clinical testing. Allele origin: germline. Affected: yes.
Comment: In silico analysis supports that this missense variant has a deleterious effect on protein structure/function; Has not been previously published as pathogenic or benign to our knowledge

NM_014159.7(SETD2):c.2093C>T (p.Ser698Phe)

Gene: SETD2 (SET domain containing 2, histone lysine methyltransferase; minus strand). Cytogenetic location: 3p21.31.
Variant type: single nucleotide variant.
Coding change: c.2093C>T on transcript NM_014159.7 (MANE Select); coding-DNA position 2093, C replaced by T.
Protein change: p.Ser698Phe; replaces serine 698 with phenylalanine.
Molecular consequence: missense variant. On other transcripts: non-coding transcript variant (1).
Genome position (GRCh38, 1-based): chr3:47,122,543, G>A on the plus strand (C>T on the coding strand, the complement: SETD2 is on the minus strand). VCF-style: chr3-47122543-G-A. GRCh37 (hg19) VCF-style: chr3-47164033-G-A.
Other names: c.1961C>T, p.Ser654Phe (NM_001349370.3); short protein forms S654F, S698F.
Identifiers: ClinVar variation 2663404 (VCV002663404.1), dbSNP rs760367394, ClinGen allele CA2363589.